The following is an entry in ClinVar:

NC_000006.12:g.99593030G>T

Genes: PRDM13 (PR/SET domain 13; plus strand), LOC111365204 (CCNC and PRDM13 intergenic region DNase I hypersensitve site DHS6S1; plus strand). Cytogenetic location: 6q16.2.
Variant type: single nucleotide variant.
Genome position: GRCh38 VCF-style: chr6-99593030-G-T. GRCh37 (hg19) VCF-style: chr6-100040906-G-T.
Other names: CHR6:100,040,906, G-T.
Identifiers: ClinVar variation 446239 (VCV000446239.10), dbSNP rs1554264612, ClinGen allele CA658653776.

ClinVar aggregate classification (germline): Pathogenic. Review status: criteria provided, multiple submitters, no conflicts (2 of 4 stars). 3 submissions from 3 submitters: Pathogenic (2). 1 of the submissions does not count toward it. Last evaluated 2026-01-18.

Conditions:
North Carolina macular dystrophy (MCDR1). Also called: Macular dystrophy retinal 1 North Carolina type. Identifiers: Orphanet 75327, MedGen C0730294, MONDO:0007630, OMIM 136550.
PRDM13-related disorder. Also called: PRDM13-related condition.

Submissions (3):

Labcorp Genetics (formerly Invitae), Labcorp
Classification: Pathogenic. Last evaluated: 2026-01-18. Review status: criteria provided, single submitter. Criteria: Invitae Variant Classification Sherloc (09022015). Collection method: clinical testing. Allele origin: germline.
Comment: This variant occurs in a non-coding region of the PRDM13 gene. It does not change the encoded amino acid sequence of the PRDM13 protein. This variant is not present in population databases (gnomAD no frequency). This variant has been observed in individual(s) with North Carolina macular dystrophy (PMID: 26507665). It has also been observed to segregate with disease in related individuals. This variant is also known as V1, g.100040906G>T. For these reasons, this variant has been classified as Pathogenic.

Blueprint Genetics
Classification: Pathogenic for PRDM13-related disorders. Last evaluated: 2022-10-26. Review status: criteria provided, single submitter. Criteria: ACMG Guidelines, 2015. Collection method: clinical testing. Allele origin: germline. Affected: yes. Observed: 5 variant alleles.

OMIM
Classification: Pathogenic for MACULAR DYSTROPHY, RETINAL, 1, NORTH CAROLINA TYPE. Last evaluated: 2017-09-07. Review status: no assertion criteria provided. Collection method: literature only. Allele origin: germline. Not counted in ClinVar's aggregate classification.

Literature cited by the submitters: PubMed 26507665 (cited by Labcorp Genetics (formerly Invitae), Labcorp and OMIM); Lefler, W. H., Wadsworth, J. A. C., Sidbury, J. B., Jr. Hereditary macular dystrophy and amino-aciduria. Am. J. Ophthal. 71 (suppl.): 224-230, 1971. (cited by OMIM); PubMed 9801042 (cited by OMIM); PubMed 10617775 (cited by OMIM).